The following is an entry in ClinVar:

NM_138691.3(TMC1):c.1083_1087del (p.Arg362fs)

Gene: TMC1 (transmembrane channel like 1; plus strand). Cytogenetic location: 9q21.13.
Variant type: Deletion.
Coding change: c.1083_1087del on transcript NM_138691.3 (MANE Select); coding-DNA positions 1083 to 1087, 5 bases deleted (CAGAT; older notation c.1083_1087delCAGAT).
Protein change: p.Arg362fs; shifts the reading frame from arginine 362.
Molecular consequence: frameshift variant.
Genome position (GRCh38, 1-based): chr9:72,789,176-72,789,180, CAGAT deleted; deleting any 5 consecutive bases within chr9:72,789,173-72,789,180 gives the same sequence; the c. name uses the placement nearest the transcript's 3' end. VCF-style (leftmost placement, unchanged base first): chr9-72789172-TGATCA-T. GRCh37 (hg19) VCF-style: chr9-75404088-TGATCA-T.
Other names: short protein forms R362fs.
Identifiers: ClinVar variation 4076515 (VCV004076515.1).
Genomic context (GRCh38, chr9:72,789,172, plus strand): 5'-CATGGATACAGGAAGCTATCACAGAAGAAAAAGCAGCCCAAGTAGAAGAAAACGTCCACT[TGATCA>T]GATTCCTGAGGTTTCTGGCTAACTTCTTCGTGTTTCTAACACTTGGAGGGAGTGGATACC-3'

ClinVar aggregate classification (germline): Pathogenic (1 of 4 stars; one submission).

Conditions:
Autosomal recessive nonsyndromic hearing loss 7. Also called: DEAFNESS, AUTOSOMAL RECESSIVE 11. Identifiers: Orphanet 90636, MedGen C1832978, MONDO:0010967, OMIM 600974.

Submission:

ENT and Head and Neck Research Center and Department,  The Five Senses Health Institute, Iran University of Medical Sciences
Classification: Pathogenic for Autosomal recessive nonsyndromic hearing loss 7. Last evaluated: 2025-08-20. Review status: criteria provided, single submitter. Criteria: ClinGen HL ACMG Specifications v1. Collection method: clinical testing. Allele origin: germline. Affected: yes.
Comment: PVS1: Null variant (frame-shift) in gene TMC1, predicted to cause NMD. Loss-of-function is a known mechanism of disease (gene has 126 reported pathogenic LOF variants). The exon contains 15 pathogenic variants. The truncated region contains 94 pathogenic variants, PM2: Variant not found in gnomAD genomes, good gnomAD genomes coverage = 31.0, PP5: Reputable source recently reports variant as pathogenic (16287143)

Literature cited by the submitters: PubMed 41231290.